The following is an entry in ClinVar:

NM_015047.3(EMC1):c.2362G>A (p.Glu788Lys)

Genes: EMC1 (ER membrane protein complex subunit 1; minus strand), EMC1-AS1 (EMC1 antisense RNA 1; plus strand). Cytogenetic location: 1p36.13.
Variant type: single nucleotide variant.
Coding change: c.2362G>A on transcript NM_015047.3 (MANE Select); coding-DNA position 2362, G replaced by A.
Protein change: p.Glu788Lys; replaces glutamic acid 788 with lysine.
Molecular consequence: missense variant.
Genome position (GRCh38, 1-based): chr1:19,223,410, C>T on the plus strand (G>A on the coding strand, the complement: EMC1 is on the minus strand). VCF-style: chr1-19223410-C-T. GRCh37 (hg19) VCF-style: chr1-19549904-C-T.
Other names: c.2359G>A, p.Glu787Lys (NM_001271427.2, NM_001271428.2); c.2296G>A, p.Glu766Lys (NM_001271429.2); c.2371G>A, p.Glu791Lys (NM_001375820.1); c.2368G>A, p.Glu790Lys (NM_001375821.1); short protein forms E766K, E791K, E788K, E790K, E787K.
Identifiers: ClinVar variation 1398591 (VCV001398591.6), dbSNP rs2093447116, ClinGen allele CA338754732.
Genomic context (GRCh38, chr1:19,223,410, plus strand): 5'-GGGAGACCTCTGGAGCTACCTTGGGTCCCTGGTAGTGACCGCTTACCACCACCCAGTTCT[C>T]TGAATGCACGATATGGACAGGGCCTTTGGCTTTCTTCTGCACAGAGGAGTGAATGATACG-3'
Protein context (NP_055862.1, residues 778-798): AKGPVHIVHS[Glu788Lys]NWVVYQYWNT

ClinVar aggregate classification (germline): Uncertain significance (1 of 4 stars; one submission).

Allele frequency attached by ClinVar (database versions not stated): gnomAD exomes 0.00001; TOPMed 0.00001.
gnomAD v4.1: 8 of 1,614,116 alleles (0.0005%); highest among the groups gnomAD compares: Non-Finnish European, 0.00068%; no homozygotes.

Submission:

Labcorp Genetics (formerly Invitae), Labcorp
Classification: Uncertain significance. Last evaluated: 2021-10-09. Review status: criteria provided, single submitter. Criteria: Invitae Variant Classification Sherloc (09022015). Collection method: clinical testing. Allele origin: germline.
Comment: Algorithms developed to predict the effect of missense changes on protein structure and function (SIFT, PolyPhen-2, Align-GVGD) all suggest that this variant is likely to be disruptive. This sequence change replaces glutamic acid with lysine at codon 788 of the EMC1 protein (p.Glu788Lys). The glutamic acid residue is highly conserved and there is a small physicochemical difference between glutamic acid and lysine. This variant is not present in population databases (ExAC no frequency). This variant has not been reported in the literature in individuals affected with EMC1-related conditions. In summary, the available evidence is currently insufficient to determine the role of this variant in disease. Therefore, it has been classified as a Variant of Uncertain Significance.